The following is an entry in ClinVar:

NM_006245.4(PPP2R5D):c.510G>A (p.Glu170=)

Gene: PPP2R5D (protein phosphatase 2 regulatory subunit B'delta; plus strand). Cytogenetic location: 6p21.1.
Variant type: single nucleotide variant.
Coding change: c.510G>A on transcript NM_006245.4 (MANE Select); coding-DNA position 510, G replaced by A.
Protein change: p.Glu170=; no amino-acid change (glutamic acid 170 retained).
Molecular consequence: synonymous variant.
Genome position (GRCh38, 1-based): chr6:43,007,098, G>A. VCF-style: chr6-43007098-G-A. GRCh37 (hg19) VCF-style: chr6-42974836-G-A.
Other names: c.57G>A, p.Glu19= (NM_001270476.2); c.414G>A, p.Glu138= (NM_180976.3); c.192G>A, p.Glu64= (NM_180977.3).
Identifiers: ClinVar variation 1225198 (VCV001225198.42), dbSNP rs535811354, ClinGen allele CA3811829.

ClinVar aggregate classification (germline): Benign/Likely benign. Review status: criteria provided, multiple submitters, no conflicts (2 of 4 stars). 5 submissions from 5 submitters: Benign (3); Likely benign (2). Last evaluated 2025-05-01.

Conditions:
PPP2R5D-related disorder. Also called: PPP2R5D-related condition.

Allele frequency attached by ClinVar (database versions not stated): 1000 Genomes Project 0.00040; gnomAD 0.00001 and 0.00006; TOPMed 0.00002; gnomAD exomes 0.00010 and 0.00016; ExAC 0.00019; 1000 Genomes Project 30x 0.00031.
gnomAD v4.1: 144 of 1,614,164 alleles (0.0089%); highest among the groups gnomAD compares: South Asian, 0.14%; 4 homozygotes.

Submissions (5):

Labcorp Genetics (formerly Invitae), Labcorp
Classification: Benign. Last evaluated: 2025-05-01. Review status: criteria provided, single submitter. Criteria: Invitae Variant Classification Sherloc (09022015). Collection method: clinical testing. Allele origin: germline.

PreventionGenetics, part of Exact Sciences
Classification: Likely benign for PPP2R5D-related condition. Last evaluated: 2024-12-05. Review status: criteria provided, single submitter. Criteria: ACMG Guidelines, 2015. Collection method: clinical testing. Allele origin: germline.
Comment: This variant is classified as likely benign based on ACMG/AMP sequence variant interpretation guidelines (Richards et al. 2015 PMID: 25741868, with internal and published modifications).

Blueprint Genetics
Classification: Likely benign. Last evaluated: 2024-02-07. Review status: criteria provided, single submitter. Criteria: ACMG Guidelines, 2015. Collection method: clinical testing. Allele origin: germline.

CeGaT Center for Human Genetics Tuebingen
Classification: Benign. Last evaluated: 2022-09-01. Review status: criteria provided, single submitter. Criteria: CeGaT Center For Human Genetics Tuebingen Variant Classification Criteria Version 2. Collection method: clinical testing. Allele origin: germline. Affected: yes. Observed: 1 variant allele.
Comment: PPP2R5D: BS1, BS2

GeneDx
Classification: Benign. Last evaluated: 2020-10-16. Review status: criteria provided, single submitter. Criteria: GeneDx Variant Classification Process June 2021. Collection method: clinical testing. Allele origin: germline. Affected: yes.